The following is an entry in ClinVar:

NM_000019.4(ACAT1):c.333A>G (p.Ala111=)

Gene: ACAT1 (acetyl-CoA acetyltransferase 1; plus strand). Cytogenetic location: 11q22.3.
Variant type: single nucleotide variant.
Coding change: c.333A>G on transcript NM_000019.4 (MANE Select); coding-DNA position 333, A replaced by G.
Protein change: p.Ala111=; no amino-acid change (alanine 111 retained).
Molecular consequence: synonymous variant. On other transcripts: non-coding transcript variant (2), intron variant (2).
Genome position (GRCh38, 1-based): chr11:108,134,315, A>G. VCF-style: chr11-108134315-A-G. GRCh37 (hg19) VCF-style: chr11-108005042-A-G.
Other names: c.333A>G, p.Ala111= (NM_001386677.1); c.63A>G, p.Ala21= (NM_001386681.1, NM_001386682.1, NM_001386685.1 and 6 more transcripts); c.37+19A>G (NM_001386679.1); c.120+2361A>G (NM_001386678.1).
Identifiers: ClinVar variation 1391804 (VCV001391804.6), dbSNP rs2135336477, ClinGen allele CA476671855.

ClinVar aggregate classification (germline): Uncertain significance (1 of 4 stars; one submission).

Conditions:
Deficiency of acetyl-CoA acetyltransferase. Also called: Beta-ketothiolase deficiency; 3-KETOTHIOLASE DEFICIENCY; 3-OXOTHIOLASE DEFICIENCY; MITOCHONDRIAL ACETOACETYL-CoA THIOLASE DEFICIENCY. Identifiers: Orphanet 134, MedGen C1536500, MONDO:0008760, OMIM 203750. Disease mechanism: loss of function.

Submission:

Labcorp Genetics (formerly Invitae), Labcorp
Classification: Uncertain significance for Deficiency of acetyl-CoA acetyltransferase. Last evaluated: 2021-11-06. Review status: criteria provided, single submitter. Criteria: Invitae Variant Classification Sherloc (09022015). Collection method: clinical testing. Allele origin: germline.
Comment: In summary, the available evidence is currently insufficient to determine the role of this variant in disease. Therefore, it has been classified as a Variant of Uncertain Significance. Algorithms developed to predict the effect of sequence changes on RNA splicing suggest that this variant may disrupt the consensus splice site. This variant has not been reported in the literature in individuals affected with ACAT1-related conditions. This variant is not present in population databases (gnomAD no frequency). This sequence change affects codon 111 of the ACAT1 mRNA. It is a 'silent' change, meaning that it does not change the encoded amino acid sequence of the ACAT1 protein. It affects a nucleotide within the consensus splice site.